The following is an entry in ClinVar:

ClinVar aggregate classification (germline): Uncertain significance (1 of 4 stars; one submission).

Conditions:
Joubert syndrome. Also called: CEREBELLOPARENCHYMAL DISORDER IV; JOUBERT-BOLTSHAUSER SYNDROME; Familial aplasia of the vermis. Identifiers: Orphanet 475, MedGen C5979921, MONDO:0018772.
Nephronophthisis. Also called: Juvenile Nephronophthisis. Identifiers: Orphanet 655, MedGen C0687120, MONDO:0019005, HP:0000090.
Meckel-Gruber syndrome. Also called: DYSENCEPHALIA SPLANCHNOCYSTICA; GRUBER SYNDROME; Dysencephalia splachnocystica. Identifiers: Orphanet 564, MedGen C0265215, MONDO:0018921.

Allele frequency attached by ClinVar (database versions not stated): gnomAD exomes below 0.00001.
gnomAD v4.1: 1 of 1,612,354 alleles (0.000062%); highest among the groups gnomAD compares: Middle Eastern, 0.017%; no homozygotes.

Submission:

Labcorp Genetics (formerly Invitae), Labcorp
Classification: Uncertain significance for Joubert syndrome; Meckel-Gruber syndrome; Nephronophthisis. Last evaluated: 2022-02-10. Review status: criteria provided, single submitter. Criteria: Invitae Variant Classification Sherloc (09022015). Collection method: clinical testing. Allele origin: germline.
Comment: This variant has not been reported in the literature in individuals affected with CEP290-related conditions. This sequence change replaces serine, which is neutral and polar, with cysteine, which is neutral and slightly polar, at codon 402 of the CEP290 protein (p.Ser402Cys). This variant is not present in population databases (gnomAD no frequency). In summary, the available evidence is currently insufficient to determine the role of this variant in disease. Therefore, it has been classified as a Variant of Uncertain Significance. Algorithms developed to predict the effect of missense changes on protein structure and function are either unavailable or do not agree on the potential impact of this missense change (SIFT: "Tolerated"; PolyPhen-2: "Possibly Damaging"; Align-GVGD: "Class C0").

NM_025114.4(CEP290):c.1205C>G (p.Ser402Cys)

Gene: CEP290 (centrosomal protein 290; minus strand). Cytogenetic location: 12q21.32.
Variant type: single nucleotide variant.
Coding change: c.1205C>G on transcript NM_025114.4 (MANE Select); coding-DNA position 1205, C replaced by G.
Protein change: p.Ser402Cys; replaces serine 402 with cysteine.
Molecular consequence: missense variant.
Genome position (GRCh38, 1-based): chr12:88,121,151, G>C on the plus strand (C>G on the coding strand, the complement: CEP290 is on the minus strand). VCF-style: chr12-88121151-G-C. GRCh37 (hg19) VCF-style: chr12-88514928-G-C.
Other names: short protein forms S402C.
Identifiers: ClinVar variation 1350689 (VCV001350689.8), dbSNP rs2137920983, ClinGen allele CA385980894.